The following is an entry in ClinVar:

NM_006231.4(POLE):c.4574G>C (p.Ser1525Thr)

Gene: POLE (DNA polymerase epsilon, catalytic subunit; minus strand). Cytogenetic location: 12q24.33.
Variant type: single nucleotide variant.
Coding change: c.4574G>C on transcript NM_006231.4 (MANE Select); coding-DNA position 4574, G replaced by C.
Protein change: p.Ser1525Thr; replaces serine 1525 with threonine.
Molecular consequence: missense variant.
Genome position (GRCh38, 1-based): chr12:132,642,974, C>G on the plus strand (G>C on the coding strand, the complement: POLE is on the minus strand). VCF-style: chr12-132642974-C-G. GRCh37 (hg19) VCF-style: chr12-133219560-C-G.
Other names: short protein forms S1525T.
Identifiers: ClinVar variation 640370 (VCV000640370.8), dbSNP rs1593732744, ClinGen allele CA387379298.
Genomic context (GRCh38, chr12:132,642,974, plus strand): 5'-AGCTCAGGGCCCACCTTCTCCAGGAGGAGGCCGTGCTCTGCTGAGTACAGGGCGCCAAGG[C>G]TGGGCATCTGGTTGCTGCGCACCTAGACCAACGCAGGCCACGTCAGCCTCCCCCTGCGCA-3'
Protein context (NP_006222.2, residues 1515-1535): LDTVRSNQMP[Ser1525Thr]LGALYSAEHG

ClinVar aggregate classification (germline): Uncertain significance (1 of 4 stars; one submission).

Submission:

Labcorp Genetics (formerly Invitae), Labcorp
Classification: Uncertain significance. Last evaluated: 2021-07-09. Review status: criteria provided, single submitter. Criteria: Invitae Variant Classification Sherloc (09022015). Collection method: clinical testing. Allele origin: germline.
Comment: In summary, the available evidence is currently insufficient to determine the role of this variant in disease. Therefore, it has been classified as a Variant of Uncertain Significance. Algorithms developed to predict the effect of missense changes on protein structure and function (SIFT, PolyPhen-2, Align-GVGD) all suggest that this variant is likely to be tolerated, but these predictions have not been confirmed by published functional studies and their clinical significance is uncertain. This variant has not been reported in the literature in individuals with POLE-related disease. This variant is not present in population databases (ExAC no frequency). This sequence change replaces serine with threonine at codon 1525 of the POLE protein (p.Ser1525Thr). The serine residue is weakly conserved and there is a small physicochemical difference between serine and threonine.